The following is an entry in ClinVar:

NM_000481.4(AMT):c.110C>T (p.Pro37Leu)

Gene: AMT (aminomethyltransferase; minus strand). Cytogenetic location: 3p21.31.
Variant type: single nucleotide variant.
Coding change: c.110C>T on transcript NM_000481.4 (MANE Select); coding-DNA position 110, C replaced by T.
Protein change: p.Pro37Leu; replaces proline 37 with leucine.
Molecular consequence: missense variant. On other transcripts: non-coding transcript variant (1), intron variant (1).
Genome position (GRCh38, 1-based): chr3:49,422,252, G>A on the plus strand (C>T on the coding strand, the complement: AMT is on the minus strand). VCF-style: chr3-49422252-G-A. GRCh37 (hg19) VCF-style: chr3-49459685-G-A.
Other names: c.110C>T, p.Pro37Leu (NM_001164710.2, NM_001164712.2); c.90+109C>T (NM_001164711.2); short protein forms P37L.
Identifiers: ClinVar variation 1447426 (VCV001447426.5), dbSNP rs202225151, ClinGen allele CA74516557.

ClinVar aggregate classification (germline): Uncertain significance (1 of 4 stars; one submission).

Conditions:
Glycine encephalopathy. Also called: Non-ketotic hyperglycinemia; Nonketotic hyperglycinemia. Identifiers: Orphanet 407, MedGen C0751748, MONDO:0011612, HP:0008288.

Allele frequency attached by ClinVar (database versions not stated): gnomAD 0.00001; gnomAD exomes 0.00001; TOPMed 0.00001.

Submission:

Labcorp Genetics (formerly Invitae), Labcorp
Classification: Uncertain significance for Glycine encephalopathy. Last evaluated: 2021-09-01. Review status: criteria provided, single submitter. Criteria: Invitae Variant Classification Sherloc (09022015). Collection method: clinical testing. Allele origin: germline.
Comment: This sequence change replaces proline with leucine at codon 37 of the AMT protein (p.Pro37Leu). The proline residue is moderately conserved and there is a moderate physicochemical difference between proline and leucine. This variant is not present in population databases (ExAC no frequency). This variant has not been reported in the literature in individuals affected with AMT-related conditions. Algorithms developed to predict the effect of missense changes on protein structure and function (SIFT, PolyPhen-2, Align-GVGD) all suggest that this variant is likely to be tolerated. In summary, the available evidence is currently insufficient to determine the role of this variant in disease. Therefore, it has been classified as a Variant of Uncertain Significance.